The following is an entry in ClinVar:

NM_001242.5(CD27):c.495C>T (p.Asp165=)

Genes: CD27 (CD27 molecule; plus strand), CD27-AS1 (CD27 antisense RNA 1; minus strand). Cytogenetic location: 12p13.31.
Variant type: single nucleotide variant.
Coding change: c.495C>T on transcript NM_001242.5 (MANE Select); coding-DNA position 495, C replaced by T.
Protein change: p.Asp165=; no amino-acid change (aspartic acid 165 retained).
Molecular consequence: synonymous variant. On other transcripts: non-coding transcript variant (1).
Genome position (GRCh38, 1-based): chr12:6,450,587, C>T. VCF-style: chr12-6450587-C-T. GRCh37 (hg19) VCF-style: chr12-6559753-C-T.
Identifiers: ClinVar variation 540911 (VCV000540911.41), dbSNP rs375150093, ClinGen allele CA6407001.
Genomic context (GRCh38, chr12:6,450,587, plus strand): 5'-CTCTGTTTTTCCAGAGATGCTGGAGGCCAGGACAGCTGGGCACATGCAGACTCTGGCTGA[C>T]TTCAGGCAGCTGCCTGCCCGGACTCTCTCTACCCACTGGCCACGTGAGTTTTCTCCTTAA-3'
Protein context (NP_001233.2, residues 155-175): RTAGHMQTLA[Asp165=]FRQLPARTLS

ClinVar aggregate classification (germline): Likely benign. Review status: criteria provided, multiple submitters, no conflicts (2 of 4 stars). 4 submissions from 4 submitters: Likely benign (4). Last evaluated 2026-05-01.

Conditions:
Lymphoproliferative syndrome 2 (LPFS2). Also called: CD27 DEFICIENCY; Combined immunodeficiency due to CD27 deficiency. Identifiers: Orphanet 238505, MedGen C3554540, MONDO:0014054, OMIM 615122.

Allele frequency attached by ClinVar (database versions not stated): ESP Exome Variant Server 0.00008; ExAC 0.00012; gnomAD 0.00014; gnomAD exomes 0.00015 and 0.00024; TOPMed 0.00015.
gnomAD v4.1: 370 of 1,613,294 alleles (0.023%); highest among the groups gnomAD compares: Non-Finnish European, 0.029%; no homozygotes.

Submissions (4):

CeGaT Center for Human Genetics Tuebingen
Classification: Likely benign. Last evaluated: 2026-05-01. Review status: criteria provided, single submitter. Criteria: CeGaT Center For Human Genetics Tuebingen Variant Classification Criteria Version 2. Collection method: clinical testing. Allele origin: germline. Affected: yes. Observed: 2 variant alleles.
Comment: CD27: BP4, BP7

Labcorp Genetics (formerly Invitae), Labcorp
Classification: Likely benign for Lymphoproliferative syndrome 2. Last evaluated: 2026-02-03. Review status: criteria provided, single submitter. Criteria: Invitae Variant Classification Sherloc (09022015). Collection method: clinical testing. Allele origin: germline.

Blueprint Genetics
Classification: Likely benign. Last evaluated: 2024-09-25. Review status: criteria provided, single submitter. Criteria: ACMG Guidelines, 2015. Collection method: clinical testing. Allele origin: germline.

Genetic Services Laboratory, University of Chicago
Classification: Likely benign. Last evaluated: 2017-11-22. Review status: criteria provided, single submitter. Criteria: ACMG Guidelines, 2015. Collection method: clinical testing. Allele origin: germline. Affected: no.